The following is an entry in ClinVar:

ClinVar aggregate classification (germline): Likely pathogenic (1 of 4 stars; one submission).

Conditions:
Severe early-childhood-onset retinal dystrophy (STGD1). Also called: MACULAR DYSTROPHY WITH FLECKS, TYPE 1; STGD; Stargardt macular dystrophy; Juvenile onset macular degeneration; Stargardt disease 1. Identifiers: Orphanet 364055, Orphanet 827, MedGen C1855465, MeSH D000080362, MONDO:0009549, OMIM 248200.

Submission:

Clinical Genetics Laboratory, Karadeniz Technical University
Classification: Likely pathogenic for Severe early-childhood-onset retinal dystrophy. Last evaluated: 2024-02-05. Review status: criteria provided, single submitter. Criteria: ACMG Guidelines, 2015. Collection method: clinical testing. Allele origin: germline. Inheritance: Autosomal recessive inheritance. Affected: yes. Observed: 1 compound heterozygote.

Literature cited by the submitters: PubMed 30060493.

NM_000350.3(ABCA4):c.6454G>A (p.Gly2152Ser)

Gene: ABCA4 (ATP binding cassette subfamily A member 4; minus strand). Cytogenetic location: 1p22.1.
Variant type: single nucleotide variant.
Coding change: c.6454G>A on transcript NM_000350.3 (MANE Select); coding-DNA position 6454, G replaced by A.
Protein change: p.Gly2152Ser; replaces glycine 2152 with serine.
Molecular consequence: missense variant.
Genome position (GRCh38, 1-based): chr1:94,000,861, C>T on the plus strand (G>A on the coding strand, the complement: ABCA4 is on the minus strand). VCF-style: chr1-94000861-C-T. GRCh37 (hg19) VCF-style: chr1-94466417-C-T.
Other names: c.6232G>A, p.Gly2078Ser (NM_001425324.1); short protein forms G2078S, G2152S.
Identifiers: ClinVar variation 2692299 (VCV002692299.2), dbSNP rs1571241947, ClinGen allele CA341277275.
Genomic context (GRCh38, chr1:94,000,861, plus strand): 5'-AAGGCAACAAGGGGCACGCCCCACCATCTGCTTACTTGGACTTGAGATGCTGAATGGTGC[C>T]CATACATCGAAAGGCGCCCTTTACCATGATGGCCAGCCGGGTACACAGTGCCTCACATTC-3'
Protein context (NP_000341.2, residues 2142-2162): IMVKGAFRCM[Gly2152Ser]TIQHLKSKFG